The following is an entry in ClinVar:

NM_006885.4(ZFHX3):c.10147_10167del (p.Leu3383_Gln3389del)

Genes: ZFHX3 (zinc finger homeobox 3; minus strand), ZFHX3-AS1 (ZFHX3 antisense RNA 1; plus strand). Cytogenetic location: 16q22.2.
Variant type: Deletion.
Coding change: c.10147_10167del on transcript NM_006885.4 (MANE Select); coding-DNA positions 10147 to 10167, 21 bases deleted (CTACAGCAGCAGCAGCAGCAA).
Protein change: p.Leu3383_Gln3389del.
Molecular consequence: inframe deletion.
Genome position (GRCh38, 1-based): chr16:72,788,109-72,788,129, TTGCTGCTGCTGCTGCTGTAG deleted on the plus strand (CTACAGCAGCAGCAGCAGCAA on the coding strand, the reverse complement: ZFHX3 is on the minus strand); deleting any 21 consecutive bases within chr16:72,788,109-72,788,133 gives the same sequence; the c. name uses the placement nearest the transcript's 3' end. VCF-style (leftmost placement, unchanged base first): chr16-72788108-TTTGCTGCTGCTGCTGCTGTAG-T. GRCh37 (hg19) VCF-style: chr16-72822007-TTTGCTGCTGCTGCTGCTGTAG-T.
Other names: c.7405_7425del, p.Leu2469_Gln2475del (NM_001164766.2); c.10147_10167del, p.Leu3383_Gln3389del (NM_001386735.1).
Identifiers: ClinVar variation 4872546 (VCV004872546.2).

ClinVar aggregate classification (germline): Likely benign (1 of 4 stars; one submission).

Submission:

CeGaT Center for Human Genetics Tuebingen
Classification: Likely benign. Last evaluated: 2026-08-01. Review status: criteria provided, single submitter. Criteria: CeGaT Center For Human Genetics Tuebingen Variant Classification Criteria Version 2. Collection method: clinical testing. Allele origin: germline. Affected: yes. Observed: 2 variant alleles.
Comment: ZFHX3: BS2